The following is an entry in ClinVar:

NM_001036.6(RYR3):c.4308+9G>A

Gene: RYR3 (ryanodine receptor 3; plus strand). Cytogenetic location: 15q14.
Variant type: single nucleotide variant.
Coding change: c.4308+9G>A on transcript NM_001036.6 (MANE Select); 9 bases into the intron after coding-DNA position 4308, G replaced by A.
Molecular consequence: intron variant.
Genome position (GRCh38, 1-based): chr15:33,652,892, G>A. VCF-style: chr15-33652892-G-A. GRCh37 (hg19) VCF-style: chr15-33945093-G-A.
Other names: c.4308+9G>A (NM_001243996.4, NM_001036.4).
Identifiers: ClinVar variation 1088422 (VCV001088422.10), dbSNP rs139771099, ClinGen allele CA7458957.

ClinVar aggregate classification (germline): Likely benign. Review status: criteria provided, multiple submitters, no conflicts (2 of 4 stars). 2 submissions from 2 submitters: Likely benign (2). Last evaluated 2026-09-12.

Conditions:
Epileptic encephalopathy. Identifiers: MedGen C0543888, HP:0200134.
RYR3-related disorder. Also called: RYR3-related condition.

Allele frequency attached by ClinVar (database versions not stated): gnomAD exomes 0.00003 and 0.00005; ExAC 0.00008; gnomAD 0.00014; ESP Exome Variant Server 0.00016; TOPMed 0.00016; 1000 Genomes Project 30x 0.00031; 1000 Genomes Project 0.00040.
gnomAD v4.1: 60 of 1,600,894 alleles (0.0037%); highest among the groups gnomAD compares: African/African-American, 0.056%; no homozygotes.

Submissions (2):

PreventionGenetics, part of Exact Sciences
Classification: Likely benign for RYR3-related condition. Last evaluated: 2026-09-12. Review status: criteria provided, single submitter. Criteria: ACMG Guidelines, 2015. Collection method: clinical testing. Allele origin: germline.
Comment: This variant is classified as likely benign based on ACMG/AMP sequence variant interpretation guidelines (Richards et al. 2015 PMID: 25741868, with internal and published modifications).

Labcorp Genetics (formerly Invitae), Labcorp
Classification: Likely benign for Epileptic encephalopathy. Last evaluated: 2020-10-14. Review status: criteria provided, single submitter. Criteria: Invitae Variant Classification Sherloc (09022015). Collection method: clinical testing. Allele origin: germline.